The following is an entry in ClinVar:

NM_006206.6(PDGFRA):c.163G>A (p.Val55Met)

Gene: PDGFRA (platelet derived growth factor receptor alpha; plus strand). Cytogenetic location: 4q12.
Variant type: single nucleotide variant.
Coding change: c.163G>A on transcript NM_006206.6 (MANE Select); coding-DNA position 163, G replaced by A.
Protein change: p.Val55Met; replaces valine 55 with methionine.
Molecular consequence: missense variant.
Genome position (GRCh38, 1-based): chr4:54,261,208, G>A. VCF-style: chr4-54261208-G-A. GRCh37 (hg19) VCF-style: chr4-55127375-G-A.
Other names: c.163G>A, p.Val55Met (NM_001347827.2, NM_001347829.2); c.238G>A, p.Val80Met (NM_001347828.2); c.202G>A, p.Val68Met (NM_001347830.2); short protein forms V80M, V55M, V68M.
Identifiers: ClinVar variation 3305481 (VCV003305481.2).

ClinVar aggregate classification (germline): Uncertain significance. Review status: criteria provided, multiple submitters, no conflicts (2 of 4 stars). 2 submissions from 2 submitters: Uncertain significance (2). Last evaluated 2026-01-04.

Conditions:
Hereditary cancer-predisposing syndrome. Also called: Neoplastic Syndromes, Hereditary; Tumor predisposition; Hereditary Cancer Syndrome; Hereditary neoplastic syndrome. Identifiers: Orphanet 140162, MedGen C0027672, MeSH D009386, MONDO:0015356.
Gastrointestinal stromal tumor. Also called: Gastrointestinal stromal tumor, somatic; Gastrointestinal stroma tumor. Identifiers: Orphanet 44890, MedGen C0238198, MeSH D046152, MONDO:0011719, OMIM 606764, HP:0100723.

gnomAD v4.1: 1 of 1,614,196 alleles (0.000062%); highest among the groups gnomAD compares: Admixed American, 0.0017%; no homozygotes.

Submissions (2):

Labcorp Genetics (formerly Invitae), Labcorp
Classification: Uncertain significance for Gastrointestinal stromal tumor. Last evaluated: 2026-01-04. Review status: criteria provided, single submitter. Criteria: Invitae Variant Classification Sherloc (09022015). Collection method: clinical testing. Allele origin: germline.
Comment: This sequence change replaces valine, which is neutral and non-polar, with methionine, which is neutral and non-polar, at codon 55 of the PDGFRA protein (p.Val55Met). This variant is present in population databases (rs773412686, gnomAD 0.003%). This variant has not been reported in the literature in individuals affected with PDGFRA-related conditions. ClinVar contains an entry for this variant (Variation ID: 3305481). Invitae Evidence Modeling of protein sequence and biophysical properties (such as structural, functional, and spatial information, amino acid conservation, physicochemical variation, residue mobility, and thermodynamic stability) indicates that this missense variant is not expected to disrupt PDGFRA protein function with a negative predictive value of 80%. In summary, the available evidence is currently insufficient to determine the role of this variant in disease. Therefore, it has been classified as a Variant of Uncertain Significance.

Ambry Genetics
Classification: Uncertain significance for Hereditary cancer-predisposing syndrome. Last evaluated: 2024-05-04. Review status: criteria provided, single submitter. Criteria: Ambry Variant Classification Scheme 2023. Collection method: clinical testing. Allele origin: germline.
Comment: The p.V55M variant (also known as c.163G>A), located in coding exon 2 of the PDGFRA gene, results from a G to A substitution at nucleotide position 163. The valine at codon 55 is replaced by methionine, an amino acid with highly similar properties. This amino acid position is conserved. In addition, this alteration is predicted to be tolerated by in silico analysis. Based on the available evidence, the clinical significance of this variant remains unclear.